The following is an entry in ClinVar:

ClinVar aggregate classification (germline): Uncertain significance. Review status: criteria provided, multiple submitters, no conflicts (2 of 4 stars). 2 submissions from 2 submitters: Uncertain significance (2). Last evaluated 2022-12-01.

Conditions:
Granulomatous disease, chronic, autosomal recessive, cytochrome b-positive, type 3. Also called: GRANULOMATOUS DISEASE, CHRONIC, DUE TO NCF4 DEFICIENCY; Granulomatous disease, chronic, autosomal recessive, cytochrome b-positive, type III; GRANULOMATOUS DISEASE, CHRONIC, AUTOSOMAL RECESSIVE, 3; CGD, AUTOSOMAL RECESSIVE CYTOCHROME b-POSITIVE, TYPE III. Identifiers: Orphanet 379, MedGen C3151409, MONDO:0013507, OMIM 613960.

Allele frequency attached by ClinVar (database versions not stated): gnomAD exomes 0.00001; TOPMed 0.00001.

Submissions (2):

Ambry Genetics
Classification: Uncertain significance. Last evaluated: 2022-12-01. Review status: criteria provided, single submitter. Criteria: Ambry Variant Classification Scheme 2023. Collection method: clinical testing. Allele origin: germline.

Labcorp Genetics (formerly Invitae), Labcorp
Classification: Uncertain significance for Granulomatous disease, chronic, autosomal recessive, cytochrome b-positive, type 3. Last evaluated: 2022-10-25. Review status: criteria provided, single submitter. Criteria: Invitae Variant Classification Sherloc (09022015). Collection method: clinical testing. Allele origin: germline.
Comment: This sequence change replaces methionine, which is neutral and non-polar, with valine, which is neutral and non-polar, at codon 113 of the NCF4 protein (p.Met113Val). This variant is present in population databases (no rsID available, gnomAD 0.002%). This variant has not been reported in the literature in individuals affected with NCF4-related conditions. ClinVar contains an entry for this variant (Variation ID: 657545). Algorithms developed to predict the effect of missense changes on protein structure and function are either unavailable or do not agree on the potential impact of this missense change (SIFT: "Deleterious"; PolyPhen-2: "Benign"; Align-GVGD: "Class C0"). In summary, the available evidence is currently insufficient to determine the role of this variant in disease. Therefore, it has been classified as a Variant of Uncertain Significance.

NM_000631.5(NCF4):c.337A>G (p.Met113Val)

Genes: NCF4 (neutrophil cytosolic factor 4; plus strand), NCF4-AS1 (NCF4 antisense RNA 1; minus strand). Cytogenetic location: 22q12.3.
Variant type: single nucleotide variant.
Coding change: c.337A>G on transcript NM_000631.5 (MANE Select); coding-DNA position 337, A replaced by G.
Protein change: p.Met113Val; replaces methionine 113 with valine.
Molecular consequence: missense variant.
Genome position (GRCh38, 1-based): chr22:36,867,457, A>G. VCF-style: chr22-36867457-A-G. GRCh37 (hg19) VCF-style: chr22-37263499-A-G.
Other names: c.337A>G, p.Met113Val (NM_013416.4); short protein forms M113V.
Identifiers: ClinVar variation 657545 (VCV000657545.9), dbSNP rs1250482128, ClinGen allele CA411381529.
Genomic context (GRCh38, chr22:36,867,457, plus strand): 5'-GTCTACGTGGGTGTGAAACAGGAGATCGCCGAGATGCGGATACCTGCCCTCAACGCCTAC[A>G]TGAAGGTACCAGTGGGCCTTGCCACCTTGGCACGTGGAAGGGCATGCAGTATTGGTGGGG-3'
Protein context (NP_000622.2, residues 103-123): EMRIPALNAY[Met113Val]KSLLSLPVWV